The following is an entry in ClinVar:

ClinVar aggregate classification (germline): Uncertain significance (0 of 4 stars; one submission).

Conditions:
ITSN2-related disorder. Also called: ITSN2-related condition.

Submission:

PreventionGenetics, part of Exact Sciences
Classification: Uncertain significance for ITSN2-related condition. Last evaluated: 2024-05-01. Review status: no assertion criteria provided. Collection method: clinical testing. Allele origin: germline.
Comment: The ITSN2 c.1893G>T variant is predicted to result in the amino acid substitution p.Gln631His. To our knowledge, this variant has not been reported in the literature or in a large population database, indicating this variant is rare. At this time, the clinical significance of this variant is uncertain due to the absence of conclusive functional and genetic evidence.

NM_006277.3(ITSN2):c.1893G>T (p.Gln631His)

Gene: ITSN2 (intersectin 2; minus strand). Cytogenetic location: 2p23.3.
Variant type: single nucleotide variant.
Coding change: c.1893G>T on transcript NM_006277.3 (MANE Select); coding-DNA position 1893, G replaced by T.
Protein change: p.Gln631His; replaces glutamine 631 with histidine.
Molecular consequence: missense variant. On other transcripts: intron variant (5).
Genome position (GRCh38, 1-based): chr2:24,284,814, C>A on the plus strand (G>T on the coding strand, the complement: ITSN2 is on the minus strand). VCF-style: chr2-24284814-C-A. GRCh37 (hg19) VCF-style: chr2-24507683-C-A.
Other names: c.1851G>T, p.Gln617His (NM_001348181.2); c.1893G>T, p.Gln631His (NM_001348185.2, NM_147152.3); c.1863+1398G>T (NM_001348182.2, NM_019595.4, NM_001348186.2 and 1 more transcripts); c.1821+1398G>T (NM_001348184.2); short protein forms Q617H, Q631H.
Identifiers: ClinVar variation 3355893 (VCV003355893.1).